The following is an entry in ClinVar:

NM_001035.3(RYR2):c.2454G>T (p.Gly818=)

Gene: RYR2 (ryanodine receptor 2; plus strand). Cytogenetic location: 1q43.
Variant type: single nucleotide variant.
Coding change: c.2454G>T on transcript NM_001035.3 (MANE Select); coding-DNA position 2454, G replaced by T.
Protein change: p.Gly818=; no amino-acid change (glycine 818 retained).
Molecular consequence: synonymous variant.
Genome position (GRCh38, 1-based): chr1:237,503,346, G>T. VCF-style: chr1-237503346-G-T. GRCh37 (hg19) VCF-style: chr1-237666646-G-T.
Identifiers: ClinVar variation 918994 (VCV000918994.6), dbSNP rs769137517, ClinGen allele CA423816370.
Genomic context (GRCh38, chr1:237,503,346, plus strand): 5'-TAGAGTACGCTTTCTGCTTGGAGGGCGACATGGAGAATTCAAATTTCTTCCTCCACCTGG[G>T]TATGCTCCTTGTTATGAAGCTGTTCTGCCAAAAGAAAAGTTGAAAGTGGAACACAGCCGA-3'
Protein context (NP_001026.2, residues 808-828): HGEFKFLPPP[Gly818=]YAPCYEAVLP

ClinVar aggregate classification (germline): Likely benign. Review status: criteria provided, multiple submitters, no conflicts (2 of 4 stars). 3 submissions from 3 submitters: Likely benign (3). Last evaluated 2024-06-17.

Conditions:
Catecholaminergic polymorphic ventricular tachycardia (CVPT). Also called: Catecholamine-induced polymorphic ventricular tachycardia. Identifiers: Orphanet 3286, MedGen C5574922, MONDO:0017990.
Cardiomyopathy (CMYO). Also called: Cardiomyopathies. Identifiers: Orphanet 167848, MedGen C0878544, MONDO:0004994, HP:0001638. Inheritance: Various modes of inheritance.
Catecholaminergic polymorphic ventricular tachycardia 1. Also called: VENTRICULAR TACHYCARDIA, CATECHOLAMINERGIC POLYMORPHIC, 1, WITH OR WITHOUT ATRIAL DYSFUNCTION AND/OR DILATED CARDIOMYOPATHY; RYR2-Related Catecholaminergic Polymorphic Ventricular Tachycardia; VENTRICULAR TACHYCARDIA, STRESS-INDUCED POLYMORPHIC 1. Identifiers: Orphanet 3286, MedGen C1631597, MONDO:0011484, OMIM 604772.

gnomAD v4.1: 1 of 1,613,846 alleles (0.000062%); highest among the groups gnomAD compares: Non-Finnish European, 0.000085%; no homozygotes.

Submissions (3):

All of Us Research Program, National Institutes of Health
Classification: Likely benign for Catecholaminergic polymorphic ventricular tachycardia. Last evaluated: 2024-06-17. Review status: criteria provided, single submitter. Criteria: ACMG Guidelines, 2015. Collection method: clinical testing. Allele origin: germline. Inheritance: Autosomal dominant inheritance. Observed: 1 variant allele, 1 heterozygote.
Comment: This study involves interpretation of variants in research participants for the purpose of population health screening. Participant phenotype was not available at the time of variant classification. Additional details can be found in publication PMID: 35346344, PMCID: PMC8962531

Labcorp Genetics (formerly Invitae), Labcorp
Classification: Likely benign for Catecholaminergic polymorphic ventricular tachycardia 1. Last evaluated: 2023-01-24. Review status: criteria provided, single submitter. Criteria: Invitae Variant Classification Sherloc (09022015). Collection method: clinical testing. Allele origin: germline.

Color Diagnostics, LLC DBA Color Health
Classification: Likely benign for Cardiomyopathy. Last evaluated: 2018-11-30. Review status: criteria provided, single submitter. Criteria: ACMG Guidelines, 2015. Collection method: clinical testing. Allele origin: germline.